The following is an entry in ClinVar:

NM_001110556.2(FLNA):c.4152C>T (p.Gly1384=)

Gene: FLNA (filamin A; minus strand). Cytogenetic location: Xq28.
Variant type: single nucleotide variant.
Coding change: c.4152C>T on transcript NM_001110556.2 (MANE Select); coding-DNA position 4152, C replaced by T.
Protein change: p.Gly1384=; no amino-acid change (glycine 1384 retained).
Molecular consequence: synonymous variant.
Genome position (GRCh38, 1-based): chrX:154,359,397, G>A on the plus strand (C>T on the coding strand, the complement: FLNA is on the minus strand). VCF-style: chrX-154359397-G-A. GRCh37 (hg19) VCF-style: chrX-153587765-G-A.
Other names: c.4152C>T, p.Gly1384= (NM_001456.4).
Identifiers: ClinVar variation 1039207 (VCV001039207.12), dbSNP rs2067687057, ClinGen allele CA519707529.

ClinVar aggregate classification (germline): Conflicting classifications of pathogenicity. Review status: criteria provided, conflicting classifications (1 of 4 stars). 3 submissions from 3 submitters: Uncertain significance (1); Likely benign (2). Last evaluated 2024-04-29.

Conditions:
Heterotopia, periventricular, X-linked dominant (PVNH1). Also called: PERIVENTRICULAR NODULAR HETEROTOPIA 1; X-linked periventricular heterotopia; PERIVENTRICULAR NODULAR HETEROTOPIA 4; HETEROTOPIA, PERIVENTRICULAR, 1. Identifiers: Orphanet 2149, Orphanet 82004, MedGen C1848213, MONDO:0010233, OMIM 300049.
Melnick-Needles syndrome (MNS). Also called: MELNICK-NEEDLES OSTEODYSPLASTY; OSTEODYSPLASTY OF MELNICK AND NEEDLES; Melnick-Needles Syndrome (FLNA-MNS). Identifiers: Orphanet 2484, MedGen C0025237, MONDO:0010650, OMIM 309350.
Frontometaphyseal dysplasia (FMD1). Identifiers: Orphanet 1826, MedGen C0265293, MONDO:0015942.
Oto-palato-digital syndrome, type II (OPD2). Also called: OPD II SYNDROME; FACIOPALATOOSSEOUS SYNDROME; Otopalatodigital Syndrome Type 2 (FLNA-OPD2); Otopalatodigital Syndrome, Type II. Identifiers: Orphanet 669, Orphanet 90652, MedGen C1844696, MONDO:0010571, OMIM 304120.
Familial thoracic aortic aneurysm and aortic dissection (TAAD). Also called: Thoracic aortic aneurysms and dissections. Identifiers: Orphanet 91387, MedGen C4707243, MONDO:0019625.

Allele frequency attached by ClinVar (database versions not stated): TOPMed below 0.00001.

Submissions (3):

Labcorp Genetics (formerly Invitae), Labcorp
Classification: Likely benign for Oto-palato-digital syndrome, type II; Heterotopia, periventricular, X-linked dominant; Frontometaphyseal dysplasia; Melnick-Needles syndrome. Last evaluated: 2024-04-29. Review status: criteria provided, single submitter. Criteria: Invitae Variant Classification Sherloc (09022015). Collection method: clinical testing. Allele origin: germline.

Ambry Genetics
Classification: Likely benign for Familial thoracic aortic aneurysm and aortic dissection. Last evaluated: 2023-03-26. Review status: criteria provided, single submitter. Criteria: Ambry Variant Classification Scheme 2023. Collection method: clinical testing. Allele origin: germline.

GeneDx
Classification: Uncertain significance. Last evaluated: 2021-09-27. Review status: criteria provided, single submitter. Criteria: GeneDx Variant Classification Process June 2021. Collection method: clinical testing. Allele origin: germline. Affected: yes.
Comment: Has not been previously published as pathogenic or benign to our knowledge; In silico analysis, which includes splice predictors and evolutionary conservation, suggests this variant may impact gene splicing. In the absence of RNA/functional studies, the actual effect of this sequence change is unknown.; Not observed at a significant frequency in large population cohorts (Lek et al., 2016); however, it has been observed in at least one hemizygous adult relative of individuals undergoing testing at GeneDx